The following is an entry in ClinVar:

ClinVar aggregate classification (germline): Uncertain significance (1 of 4 stars; one submission).

Allele frequency attached by ClinVar (database versions not stated): gnomAD exomes below 0.00001; TOPMed 0.00001.
gnomAD v4.1: 2 of 1,614,164 alleles (0.00012%); highest among the groups gnomAD compares: Admixed American, 0.0033%; no homozygotes.

Submission:

Labcorp Genetics (formerly Invitae), Labcorp
Classification: Uncertain significance. Last evaluated: 2022-02-03. Review status: criteria provided, single submitter. Criteria: Invitae Variant Classification Sherloc (09022015). Collection method: clinical testing. Allele origin: germline.
Comment: This sequence change replaces isoleucine, which is neutral and non-polar, with valine, which is neutral and non-polar, at codon 1033 of the DHX38 protein (p.Ile1033Val). This variant is present in population databases (no rsID available, gnomAD 0.006%). This variant has not been reported in the literature in individuals affected with DHX38-related conditions. ClinVar contains an entry for this variant (Variation ID: 1015611). Algorithms developed to predict the effect of missense changes on protein structure and function are either unavailable or do not agree on the potential impact of this missense change (SIFT: "Deleterious"; PolyPhen-2: "Benign"; Align-GVGD: "Class C25"). In summary, the available evidence is currently insufficient to determine the role of this variant in disease. Therefore, it has been classified as a Variant of Uncertain Significance.

NM_014003.4(DHX38):c.3097A>G (p.Ile1033Val)

Genes: DHX38 (DEAH-box helicase 38; plus strand), LOC126862391 (CDK7 strongly-dependent group 2 enhancer GRCh37_chr16:72141414-72142613; plus strand). Cytogenetic location: 16q22.2.
Variant type: single nucleotide variant.
Coding change: c.3097A>G on transcript NM_014003.4 (MANE Select); coding-DNA position 3097, A replaced by G.
Protein change: p.Ile1033Val; replaces isoleucine 1033 with valine.
Molecular consequence: missense variant.
Genome position (GRCh38, 1-based): chr16:72,108,359, A>G. VCF-style: chr16-72108359-A-G. GRCh37 (hg19) VCF-style: chr16-72142258-A-G.
Other names: short protein forms I1033V.
Identifiers: ClinVar variation 1015611 (VCV001015611.8), dbSNP rs756141729, ClinGen allele CA283691288.